The following is an entry in ClinVar:

ClinVar aggregate classification (germline): Benign. Review status: criteria provided, single submitter (1 of 4 stars). 2 submissions from 2 submitters: Benign (1). 1 of the submissions does not count toward it. Last evaluated 2019-12-31.

Conditions:
GTF2IRD1-related disorder. Also called: GTF2IRD1-related condition.

Allele frequency attached by ClinVar (database versions not stated): 1000 Genomes Project 0.00020; TOPMed 0.00028; 1000 Genomes Project 30x 0.00031; ESP Exome Variant Server 0.00054.
gnomAD v4.1: 392 of 1,613,572 alleles (0.024%); highest among the groups gnomAD compares: Admixed American, 0.12%; 1 homozygote.

Submissions (2):

Labcorp Genetics (formerly Invitae), Labcorp
Classification: Benign. Last evaluated: 2019-12-31. Review status: criteria provided, single submitter. Criteria: Invitae Variant Classification Sherloc (09022015). Collection method: clinical testing. Allele origin: germline.

PreventionGenetics, part of Exact Sciences
Classification: Likely benign for GTF2IRD1-related condition. Last evaluated: 2019-03-05. Review status: no assertion criteria provided. Collection method: clinical testing. Allele origin: germline. Not counted in ClinVar's aggregate classification.
Comment: This variant is classified as likely benign based on ACMG/AMP sequence variant interpretation guidelines (Richards et al. 2015 PMID: 25741868, with internal and published modifications).

NM_005685.4(GTF2IRD1):c.1659C>T (p.Pro553=)

Gene: GTF2IRD1 (GTF2I repeat domain containing 1; plus strand). Cytogenetic location: 7q11.23.
Variant type: single nucleotide variant.
Coding change: c.1659C>T on transcript NM_005685.4 (MANE Select); coding-DNA position 1659, C replaced by T.
Protein change: p.Pro553=; no amino-acid change (proline 553 retained).
Molecular consequence: synonymous variant.
Genome position (GRCh38, 1-based): chr7:74,544,795, C>T. VCF-style: chr7-74544795-C-T. GRCh37 (hg19) VCF-style: chr7-73959125-C-T.
Other names: c.1755C>T, p.Pro585= (NM_001199207.2); c.1659C>T, p.Pro553= (NM_016328.3); c.1755C>T (NM_001199207.1).
Identifiers: ClinVar variation 713825 (VCV000713825.6), dbSNP rs142502062, ClinGen allele CA4296976.
Genomic context (GRCh38, chr7:74,544,795, plus strand): 5'-CATCCTCTGTTCTCTTTTAGACAAAGGTCTGAGTGAGGACGCGCGGCCCGAGGAGAGGCC[C>T]GTGGAGGGTGAGGCCCTGTCTACCCCTGACATTTTACACCCACCCCCACCCCATCTCTCT-3'
Protein context (NP_005676.3, residues 543-563): LSEDARPEER[Pro553=]VEDSHGDVIR